The following is an entry in ClinVar:

NM_178452.6(DNAAF1):c.863+6A>C

Gene: DNAAF1 (dynein axonemal assembly factor 1; plus strand). Cytogenetic location: 16q24.1.
Variant type: single nucleotide variant.
Coding change: c.863+6A>C on transcript NM_178452.6 (MANE Select); 6 bases into the intron after coding-DNA position 863, A replaced by C.
Molecular consequence: intron variant.
Genome position (GRCh38, 1-based): chr16:84,159,802, A>C. VCF-style: chr16-84159802-A-C. GRCh37 (hg19) VCF-style: chr16-84193407-A-C.
Other names: c.107+6A>C (NM_001318756.1).
Identifiers: ClinVar variation 525261 (VCV000525261.7), dbSNP rs1303480013, ClinGen allele CA658798647.
Genomic context (GRCh38, chr16:84,159,802, plus strand): 5'-TACGACTAAAGCACTTAACATACCTGGATGATAGACCAGTGTTTCCAAAGGACAGGTAAG[A>C]AGAGAAAAGCCTTCTGATCACATTTTAATATTTAGTAGTTGACCATGCTTAATATTAAAC-3'

ClinVar aggregate classification (germline): Uncertain significance (1 of 4 stars; one submission).

Conditions:
Primary ciliary dyskinesia. Also called: Ciliary dyskinesia. Identifiers: Orphanet 244, MedGen C0008780, MONDO:0016575, HP:0012265.

Submission:

Labcorp Genetics (formerly Invitae), Labcorp
Classification: Uncertain significance for Primary ciliary dyskinesia. Last evaluated: 2022-11-22. Review status: criteria provided, single submitter. Criteria: Invitae Variant Classification Sherloc (09022015). Collection method: clinical testing. Allele origin: germline.
Comment: ClinVar contains an entry for this variant (Variation ID: 525261). This variant has not been reported in the literature in individuals affected with DNAAF1-related conditions. This variant is not present in population databases (gnomAD no frequency). This sequence change falls in intron 6 of the DNAAF1 gene. It does not directly change the encoded amino acid sequence of the DNAAF1 protein. It affects a nucleotide within the consensus splice site. Variants that disrupt the consensus splice site are a relatively common cause of aberrant splicing (PMID: 17576681, 9536098). Algorithms developed to predict the effect of sequence changes on RNA splicing suggest that this variant is not likely to affect RNA splicing. In summary, the available evidence is currently insufficient to determine the role of this variant in disease. Therefore, it has been classified as a Variant of Uncertain Significance.

Literature cited by the submitters: PubMed 17576681; PubMed 9536098.